The following is an entry in ClinVar:

ClinVar aggregate classification (germline): Uncertain significance. Review status: criteria provided, multiple submitters, no conflicts (2 of 4 stars). 2 submissions from 2 submitters: Uncertain significance (2). Last evaluated 2024-04-22.

Conditions:
Epidermolysis bullosa, junctional 5A, intermediate. Also called: EPIDERMOLYSIS BULLOSA, JUNCTIONAL 5A, GENERALIZED INTERMEDIATE; EPIDERMOLYSIS BULLOSA, JUNCTIONAL 5A, NON-HERLITZ TYPE. Identifiers: MedGen C5676956, MONDO:0030768, OMIM 619816.
Junctional epidermolysis bullosa with pyloric atresia. Also called: Epidermolysis bullosa, junctional, with pyloric atresia and aplasia cutis congenita; Epidermolysis bullosa junctionalis with pyloric atresia; EPIDERMOLYSIS BULLOSA, JUNCTIONAL 5B, WITH PYLORIC ATRESIA; APLASIA CUTIS CONGENITA WITH GASTROINTESTINAL ATRESIA; CARMI SYNDROME; EB-PA-ACC. Identifiers: Orphanet 79403, MedGen C5676875, MONDO:0009183, OMIM 226730.

Allele frequency attached by ClinVar (database versions not stated): gnomAD 0.00001; ExAC 0.00002; TOPMed 0.00002.
gnomAD v4.1: 20 of 1,613,160 alleles (0.0012%); highest among the groups gnomAD compares: South Asian, 0.0022%; no homozygotes.

Submissions (2):

Fulgent Genetics
Classification: Uncertain significance for Junctional epidermolysis bullosa with pyloric atresia; Epidermolysis bullosa, junctional 5A, intermediate. Last evaluated: 2024-04-22. Review status: criteria provided, single submitter. Criteria: ACMG Guidelines, 2015. Collection method: clinical testing. Allele origin: germline.

Labcorp Genetics (formerly Invitae), Labcorp
Classification: Uncertain significance. Last evaluated: 2024-02-17. Review status: criteria provided, single submitter. Criteria: Invitae Variant Classification Sherloc (09022015). Collection method: clinical testing. Allele origin: germline.
Comment: This sequence change replaces arginine, which is basic and polar, with glutamine, which is neutral and polar, at codon 1531 of the ITGB4 protein (p.Arg1531Gln). This variant is present in population databases (rs760559492, gnomAD 0.004%). This variant has not been reported in the literature in individuals affected with ITGB4-related conditions. ClinVar contains an entry for this variant (Variation ID: 2148960). An algorithm developed to predict the effect of missense changes on protein structure and function (PolyPhen-2) suggests that this variant is likely to be tolerated. In summary, the available evidence is currently insufficient to determine the role of this variant in disease. Therefore, it has been classified as a Variant of Uncertain Significance.

NM_000213.5(ITGB4):c.4802G>A (p.Arg1601Gln)

Genes: GALK1 (galactokinase 1; minus strand), ITGB4 (integrin subunit beta 4; plus strand). Cytogenetic location: 17q25.1.
Variant type: single nucleotide variant.
Coding change: c.4802G>A on transcript NM_000213.5 (MANE Select); coding-DNA position 4802, G replaced by A.
Protein change: p.Arg1601Gln; replaces arginine 1601 with glutamine.
Molecular consequence: missense variant. On other transcripts: intron variant (1).
Genome position (GRCh38, 1-based): chr17:75,756,522, G>A. VCF-style: chr17-75756522-G-A. GRCh37 (hg19) VCF-style: chr17-73752603-G-A.
Other names: c.4751G>A, p.Arg1584Gln (NM_001005619.2); c.4592G>A, p.Arg1531Gln (NM_001005731.3, NM_001321123.2); c.4442G>A, p.Arg1481Gln (NM_001438834.1); c.*22+1512C>T (NM_001381985.1); short protein forms R1584Q, R1601Q, R1531Q, R1481Q.
Identifiers: ClinVar variation 2148960 (VCV002148960.3), dbSNP rs760559492, ClinGen allele CA8770326.